The following is an entry in ClinVar:

NM_020975.6(RET):c.857A>C (p.Lys286Thr)

Gene: RET (ret proto-oncogene; plus strand). Cytogenetic location: 10q11.21.
Variant type: single nucleotide variant.
Coding change: c.857A>C on transcript NM_020975.6 (MANE Select); coding-DNA position 857, A replaced by C.
Protein change: p.Lys286Thr; replaces lysine 286 with threonine.
Molecular consequence: missense variant.
Genome position (GRCh38, 1-based): chr10:43,105,183, A>C. VCF-style: chr10-43105183-A-C. GRCh37 (hg19) VCF-style: chr10-43600631-A-C.
Other names: c.857A>C, p.Lys286Thr (NM_000323.2, NM_001406743.1, NM_001406744.1 and 8 more transcripts); c.95A>C, p.Lys32Thr (NM_001355216.2); c.728A>C, p.Lys243Thr (NM_001406761.1, NM_001406762.1, NM_001406764.1 and 2 more transcripts); c.569A>C, p.Lys190Thr (NM_001406766.1, NM_001406767.1, NM_001406770.1); short protein forms K286T, K32T, K243T, K190T.
Identifiers: ClinVar variation 863961 (VCV000863961.9), dbSNP rs745710576, ClinGen allele CA045140.

ClinVar aggregate classification (germline): Uncertain significance. Review status: criteria provided, multiple submitters, no conflicts (2 of 4 stars). 2 submissions from 2 submitters: Uncertain significance (2). Last evaluated 2024-10-09.

Conditions:
Hereditary cancer-predisposing syndrome. Also called: Hereditary Cancer Syndrome; Tumor predisposition; Neoplastic Syndromes, Hereditary; Hereditary neoplastic syndrome. Identifiers: Orphanet 140162, MedGen C0027672, MeSH D009386, MONDO:0015356.
Multiple endocrine neoplasia, type 2 (MEN2). Identifiers: Orphanet 653, MedGen C4048306, MONDO:0019003. Disease mechanism: gain of function.

Allele frequency attached by ClinVar (database versions not stated): gnomAD exomes below 0.00001; TOPMed below 0.00001; ExAC 0.00001.
gnomAD v4.1: 2 of 1,612,752 alleles (0.00012%); highest among the groups gnomAD compares: Non-Finnish European, 0.00017%; no homozygotes.

Submissions (2):

Labcorp Genetics (formerly Invitae), Labcorp
Classification: Uncertain significance for Multiple endocrine neoplasia, type 2. Last evaluated: 2024-10-09. Review status: criteria provided, single submitter. Criteria: Invitae Variant Classification Sherloc (09022015). Collection method: clinical testing. Allele origin: germline.
Comment: This sequence change replaces lysine, which is basic and polar, with threonine, which is neutral and polar, at codon 286 of the RET protein (p.Lys286Thr). This variant is present in population databases (rs745710576, gnomAD 0.0009%). This variant has not been reported in the literature in individuals affected with RET-related conditions. ClinVar contains an entry for this variant (Variation ID: 863961). An algorithm developed to predict the effect of missense changes on protein structure and function (PolyPhen-2) suggests that this variant is likely to be tolerated. In summary, the available evidence is currently insufficient to determine the role of this variant in disease. Therefore, it has been classified as a Variant of Uncertain Significance.

Ambry Genetics
Classification: Uncertain significance for Hereditary cancer-predisposing syndrome. Last evaluated: 2024-01-29. Review status: criteria provided, single submitter. Criteria: Ambry Variant Classification Scheme 2023. Collection method: clinical testing. Allele origin: germline.
Comment: The p.K286T variant (also known as c.857A>C), located in coding exon 4 of the RET gene, results from an A to C substitution at nucleotide position 857. The lysine at codon 286 is replaced by threonine, an amino acid with similar properties. This amino acid position is conserved. In addition, this alteration is predicted to be tolerated by in silico analysis. Based on the available evidence, the clinical significance of this alteration remains unclear.